The following is an entry in ClinVar:

ClinVar aggregate classification (germline): Uncertain significance (1 of 4 stars; one submission).

Conditions:
Aicardi-Goutieres syndrome 6 (AGS6). Identifiers: Orphanet 51, MedGen C3539013, MONDO:0014007, OMIM 615010.
Symmetrical dyschromatosis of extremities (DSH). Also called: DYSCHROMATOSIS SYMMETRICA HEREDITARIA 1; Dyschromatosis symmetrica hereditaria; RETICULATE ACROPIGMENTATION OF DOHI; SYMMETRIC DYSCHROMATOSIS OF THE EXTREMITIES. Identifiers: Orphanet 41, MedGen C0406775, MONDO:0007483, OMIM 127400.

Allele frequency attached by ClinVar (database versions not stated): gnomAD exomes below 0.00001.
gnomAD v4.1: 2 of 1,614,210 alleles (0.00012%); highest among the groups gnomAD compares: South Asian, 0.0011%; no homozygotes.

Submission:

Labcorp Genetics (formerly Invitae), Labcorp
Classification: Uncertain significance for Aicardi-Goutieres syndrome 6; Symmetrical dyschromatosis of extremities. Last evaluated: 2022-03-11. Review status: criteria provided, single submitter. Criteria: Invitae Variant Classification Sherloc (09022015). Collection method: clinical testing. Allele origin: germline.
Comment: This variant has not been reported in the literature in individuals affected with ADAR-related conditions. This variant is not present in population databases (gnomAD no frequency). This sequence change replaces phenylalanine, which is neutral and non-polar, with serine, which is neutral and polar, at codon 482 of the ADAR protein (p.Phe482Ser). In summary, the available evidence is currently insufficient to determine the role of this variant in disease. Therefore, it has been classified as a Variant of Uncertain Significance. Algorithms developed to predict the effect of missense changes on protein structure and function output the following: SIFT: "Tolerated"; PolyPhen-2: "Benign"; Align-GVGD: "Class C0". The serine amino acid residue is found in multiple mammalian species, which suggests that this missense change does not adversely affect protein function.

NM_001111.5(ADAR):c.1445T>C (p.Phe482Ser)

Gene: ADAR (adenosine deaminase RNA specific; minus strand). Cytogenetic location: 1q21.3.
Variant type: single nucleotide variant.
Coding change: c.1445T>C on transcript NM_001111.5 (MANE Select); coding-DNA position 1445, T replaced by C.
Protein change: p.Phe482Ser; replaces phenylalanine 482 with serine.
Molecular consequence: missense variant.
Genome position (GRCh38, 1-based): chr1:154,601,197, A>G on the plus strand (T>C on the coding strand, the complement: ADAR is on the minus strand). VCF-style: chr1-154601197-A-G. GRCh37 (hg19) VCF-style: chr1-154573673-A-G.
Other names: c.560T>C, p.Phe187Ser (NM_001025107.3, NM_001193495.2, NM_001365046.1 and 3 more transcripts); c.1472T>C, p.Phe491Ser (NM_001365045.1); c.1445T>C, p.Phe482Ser (NM_015840.4, NM_015841.4); short protein forms F187S, F491S, F482S.
Identifiers: ClinVar variation 2109315 (VCV002109315.4), dbSNP rs2101638347, ClinGen allele CA342596298.